The following is an entry in ClinVar:

NM_001144967.3(NEDD4L):c.2063+6T>C

Gene: NEDD4L (NEDD4 like E3 ubiquitin protein ligase; plus strand). Cytogenetic location: 18q21.31.
Variant type: single nucleotide variant.
Coding change: c.2063+6T>C on transcript NM_001144967.3 (MANE Select); 6 bases into the intron after coding-DNA position 2063, T replaced by C.
Molecular consequence: intron variant.
Genome position (GRCh38, 1-based): chr18:58,366,234, T>C. VCF-style: chr18-58366234-T-C. GRCh37 (hg19) VCF-style: chr18-56033466-T-C.
Other names: c.2003+6T>C (NM_015277.6); c.1871+6T>C (NM_001243960.2); c.1700+6T>C (NM_001144964.1, NM_001144965.2, NM_001144966.3); c.1640+6T>C (NM_001144971.2, NM_001144970.3); c.2039+6T>C (NM_001144968.2); c.1979+6T>C (NM_001144969.2).
Identifiers: ClinVar variation 854883 (VCV000854883.9), dbSNP rs751818108, ClinGen allele CA8975858.

ClinVar aggregate classification (germline): Benign. Review status: criteria provided, single submitter (1 of 4 stars). 2 submissions from 2 submitters: Benign (1). 1 of the submissions does not count toward it. Last evaluated 2026-01-27.

Conditions:
NEDD4L-related disorder. Also called: NEDD4L-related condition.

Allele frequency attached by ClinVar (database versions not stated): gnomAD 0.00008 and 0.00007; TOPMed 0.00008; ExAC 0.00007; gnomAD exomes 0.00009 and 0.00007.
gnomAD v4.1: 135 of 1,575,724 alleles (0.0086%); highest among the groups gnomAD compares: Non-Finnish European, 0.011%; no homozygotes.

Submissions (2):

Labcorp Genetics (formerly Invitae), Labcorp
Classification: Benign. Last evaluated: 2026-01-27. Review status: criteria provided, single submitter. Criteria: Invitae Variant Classification Sherloc (09022015). Collection method: clinical testing. Allele origin: germline.

PreventionGenetics, part of Exact Sciences
Classification: Likely benign for NEDD4L-related condition. Last evaluated: 2023-08-21. Review status: no assertion criteria provided. Collection method: clinical testing. Allele origin: germline. Not counted in ClinVar's aggregate classification.
Comment: This variant is classified as likely benign based on ACMG/AMP sequence variant interpretation guidelines (Richards et al. 2015 PMID: 25741868, with internal and published modifications).